The following is an entry in ClinVar:

NM_024747.6(HPS6):c.2045G>A (p.Arg682His)

Gene: HPS6 (HPS6 biogenesis of lysosomal organelles complex 2 subunit 3; plus strand). Cytogenetic location: 10q24.32.
Variant type: single nucleotide variant.
Coding change: c.2045G>A on transcript NM_024747.6 (MANE Select); coding-DNA position 2045, G replaced by A.
Protein change: p.Arg682His; replaces arginine 682 with histidine.
Molecular consequence: missense variant.
Genome position (GRCh38, 1-based): chr10:102,067,519, G>A. VCF-style: chr10-102067519-G-A. GRCh37 (hg19) VCF-style: chr10-103827276-G-A.
Other names: short protein forms R682H.
Identifiers: ClinVar variation 877677 (VCV000877677.8), dbSNP rs778873202, ClinGen allele CA5660094.

ClinVar aggregate classification (germline): Uncertain significance. Review status: criteria provided, multiple submitters, no conflicts (2 of 4 stars). 2 submissions from 2 submitters: Uncertain significance (2). Last evaluated 2021-09-01.

Conditions:
Hermansky-Pudlak syndrome 6 (HPS6). Identifiers: Orphanet 231512, Orphanet 79430, MedGen C3888007, MONDO:0013558, OMIM 614075.

Allele frequency attached by ClinVar (database versions not stated): ExAC 0.00002; gnomAD 0.00002; gnomAD exomes 0.00002; TOPMed 0.00005.
gnomAD v4.1: 33 of 1,613,446 alleles (0.002%); highest among the groups gnomAD compares: African/African-American, 0.0053%; no homozygotes.

Submissions (2):

Labcorp Genetics (formerly Invitae), Labcorp
Classification: Uncertain significance. Last evaluated: 2021-09-01. Review status: criteria provided, single submitter. Criteria: Invitae Variant Classification Sherloc (09022015). Collection method: clinical testing. Allele origin: germline.
Comment: This sequence change replaces arginine with histidine at codon 682 of the HPS6 protein (p.Arg682His). The arginine residue is highly conserved and there is a small physicochemical difference between arginine and histidine. This variant is present in population databases (rs778873202, ExAC 0.003%). This variant has not been reported in the literature in individuals affected with HPS6-related conditions. ClinVar contains an entry for this variant (Variation ID: 877677). Algorithms developed to predict the effect of missense changes on protein structure and function (SIFT, PolyPhen-2, Align-GVGD) all suggest that this variant is likely to be disruptive. In summary, the available evidence is currently insufficient to determine the role of this variant in disease. Therefore, it has been classified as a Variant of Uncertain Significance.

Illumina Laboratory Services, Illumina
Classification: Uncertain significance for Hermansky-Pudlak syndrome 6. Last evaluated: 2018-01-12. Review status: criteria provided, single submitter. Criteria: ICSL Variant Classification Criteria 13 December 2019. Collection method: clinical testing. Allele origin: germline.